The following is an entry in ClinVar:

ClinVar aggregate classification (germline): Likely pathogenic. Review status: criteria provided, multiple submitters, no conflicts (2 of 4 stars). 2 submissions from 2 submitters: Likely pathogenic (2). Last evaluated 2026-08-01.

Conditions:
Dilated cardiomyopathy 1G (CMD1G). Identifiers: Orphanet 154, MedGen C1858763, MONDO:0011400, OMIM 604145.
Autosomal recessive limb-girdle muscular dystrophy type 2J (LGMDR10). Also called: MUSCULAR DYSTROPHY, LIMB-GIRDLE, AUTOSOMAL RECESSIVE 10; Limb-girdle muscular dystrophy, type 2J. Identifiers: Orphanet 140922, MedGen C1837342, MONDO:0012127, OMIM 608807.

Submissions (2):

CeGaT Center for Human Genetics Tuebingen
Classification: Likely pathogenic. Last evaluated: 2026-08-01. Review status: criteria provided, single submitter. Criteria: CeGaT Center For Human Genetics Tuebingen Variant Classification Criteria Version 2. Collection method: clinical testing. Allele origin: germline. Affected: yes. Observed: 2 variant alleles.
Comment: TTN: PVS1:Strong, PM2

Labcorp Genetics (formerly Invitae), Labcorp
Classification: Likely pathogenic for Dilated cardiomyopathy 1G; Autosomal recessive limb-girdle muscular dystrophy type 2J. Last evaluated: 2024-08-11. Review status: criteria provided, single submitter. Criteria: Invitae Variant Classification Sherloc (09022015). Collection method: clinical testing. Allele origin: germline.
Comment: This sequence change creates a premature translational stop signal (p.Lys19934Glufs*5) in the TTN gene. While this is not anticipated to result in nonsense mediated decay, it is expected to create a truncated TTN protein. This variant is not present in population databases (gnomAD no frequency). This variant has not been reported in the literature in individuals affected with TTN-related conditions. This variant is located in the A band of TTN (PMID: 25589632). Truncating variants in this region are significantly overrepresented in patients affected with dilated cardiomyopathy (PMID: 25589632). Truncating variants in this region have also been reported in individuals affected with autosomal recessive centronuclear myopathy (PMID: 23975875). In summary, the currently available evidence indicates that the variant is pathogenic, but additional data are needed to prove that conclusively. Therefore, this variant has been classified as Likely Pathogenic.

Literature cited by the submitters: PubMed 25589632 (cited by Labcorp Genetics (formerly Invitae), Labcorp); PubMed 23975875 (cited by Labcorp Genetics (formerly Invitae), Labcorp).

NM_001267550.2(TTN):c.59800_59801del (p.Lys19934fs)

Genes: TTN (titin; minus strand), TTN-AS1 (TTN antisense RNA 1; plus strand), LOC126806424 (CDK7 strongly-dependent group 2 enhancer GRCh37_chr2:179456337-179457536; plus strand). Cytogenetic location: 2q31.2.
Variant type: Deletion.
Coding change: c.59800_59801del on transcript NM_001267550.2 (MANE Select); coding-DNA positions 59800 to 59801, 2 bases deleted (AA; older notation c.59800_59801delAA).
Protein change: p.Lys19934fs; shifts the reading frame from lysine 19934.
Molecular consequence: frameshift variant.
Genome position (GRCh38, 1-based): chr2:178,592,103-178,592,104, TT deleted on the plus strand (AA on the coding strand, the reverse complement: TTN is on the minus strand); deleting any 2 consecutive bases within chr2:178,592,103-178,592,107 gives the same sequence; the c. name uses the placement nearest the transcript's 3' end. VCF-style (leftmost placement, unchanged base first): chr2-178592102-CTT-C. GRCh37 (hg19) VCF-style: chr2-179456829-CTT-C.
Other names: c.54877_54878del, p.Lys18293fs (NM_001256850.1); c.32605_32606del, p.Lys10869fs (NM_003319.4); c.52096_52097del, p.Lys17366fs (NM_133378.4); c.32980_32981del, p.Lys10994fs (NM_133432.3); c.33181_33182del, p.Lys11061fs (NM_133437.4); short protein forms K10869fs, K10994fs, K11061fs, K17366fs, K18293fs, K19934fs.
Identifiers: ClinVar variation 3757619 (VCV003757619.3).